The following is an entry in ClinVar:

NM_000088.4(COL1A1):c.2317G>T (p.Gly773Cys)

Gene: COL1A1 (collagen type I alpha 1 chain; minus strand). Cytogenetic location: 17q21.33.
Variant type: single nucleotide variant.
Coding change: c.2317G>T on transcript NM_000088.4 (MANE Select); coding-DNA position 2317, G replaced by T.
Protein change: p.Gly773Cys; replaces glycine 773 with cysteine.
Molecular consequence: missense variant.
Genome position (GRCh38, 1-based): chr17:50,190,843, C>A on the plus strand (G>T on the coding strand, the complement: COL1A1 is on the minus strand). VCF-style: chr17-50190843-C-A. GRCh37 (hg19) VCF-style: chr17-48268204-C-A.
Other names: short protein forms G773C.
Identifiers: ClinVar variation 1800974 (VCV001800974.2), dbSNP rs72651659, ClinGen allele CA400209956.
Genomic context (GRCh38, chr17:50,190,843, plus strand): 5'-GTTAGGGCAGAAGGTGGGGAGGCGGCCACCTCACCTTGTCACCAGGGGCACCAGCAGGGC[C>A]AGGAGGACCAATGGGGCCAGTCAGACCACGGACGCCATCTTTGCCAGGAGAGCCATCAGC-3'
Protein context (NP_000079.2, residues 763-783): RGLTGPIGPP[Gly773Cys]PAGAPGDKGE

ClinVar aggregate classification (germline): Pathogenic (1 of 4 stars; one submission).

Submission:

GeneDx
Classification: Pathogenic. Last evaluated: 2023-01-30. Review status: criteria provided, single submitter. Criteria: GeneDx Variant Classification Process June 2021. Collection method: clinical testing. Allele origin: germline.
Comment: Occurs in the triple helical domain and replaces a glycine in a canonical Gly-X-Y repeat; missense substitution of a canonical glycine residue is expected to disrupt normal protein folding and function, and this is an established mechanism of disease (Jovanovic et al., 2021) Jovanovic M et al. (2021) Endocr Rev. (PMID: 34007986); Not observed at significant frequency in large population cohorts (gnomAD); In silico analysis supports that this missense variant has a deleterious effect on protein structure/function; This variant is associated with the following publications: (PMID: 25958000, 28810924)